The following is an entry in ClinVar:

NM_000465.4(BARD1):c.2307C>T (p.Ser769=)

Gene: BARD1 (BRCA1 associated RING domain 1; minus strand). Cytogenetic location: 2q35.
Variant type: single nucleotide variant.
Coding change: c.2307C>T on transcript NM_000465.4 (MANE Select); coding-DNA position 2307, C replaced by T.
Protein change: p.Ser769=; no amino-acid change (serine 769 retained).
Molecular consequence: synonymous variant. On other transcripts: non-coding transcript variant (3).
Genome position (GRCh38, 1-based): chr2:214,728,703, G>A on the plus strand (C>T on the coding strand, the complement: BARD1 is on the minus strand). VCF-style: chr2-214728703-G-A. GRCh37 (hg19) VCF-style: chr2-215593427-G-A.
Other names: c.2250C>T, p.Ser750= (NM_001282543.2); c.954C>T, p.Ser318= (NM_001282545.2); c.897C>T, p.Ser299= (NM_001282548.2); c.768C>T, p.Ser256= (NM_001282549.2).
Identifiers: ClinVar variation 414129 (VCV000414129.16), dbSNP rs1060504197, ClinGen allele CA16610627.

ClinVar aggregate classification (germline): Benign/Likely benign. Review status: criteria provided, multiple submitters, no conflicts (2 of 4 stars). 4 submissions from 4 submitters: Benign (1); Likely benign (3). Last evaluated 2025-12-10.

Conditions:
Familial cancer of breast. Also called: Hereditary breast cancer; hereditary breast carcinoma; BREAST CANCER, FAMILIAL. Identifiers: Orphanet 227535, MedGen C0346153, MONDO:0016419, OMIM 114480. Disease mechanism: loss of function.
Hereditary cancer-predisposing syndrome. Also called: Neoplastic Syndromes, Hereditary; Tumor predisposition; Hereditary Cancer Syndrome; Hereditary neoplastic syndrome. Identifiers: Orphanet 140162, MedGen C0027672, MeSH D009386, MONDO:0015356.

Allele frequency attached by ClinVar (database versions not stated): gnomAD exomes below 0.00001.

Submissions (4):

Labcorp Genetics (formerly Invitae), Labcorp
Classification: Likely benign for Familial cancer of breast. Last evaluated: 2025-12-10. Review status: criteria provided, single submitter. Criteria: Invitae Variant Classification Sherloc (09022015). Collection method: clinical testing. Allele origin: germline.

Myriad Genetics, Inc.
Classification: Benign for Familial cancer of breast. Last evaluated: 2024-07-30. Review status: criteria provided, single submitter. Criteria: Myriad Autosomal Dominant, Autosomal Recessive and X-Linked Classification Criteria (2023). Collection method: clinical testing. Allele origin: unknown.
Comment: This variant is considered benign. This variant is a silent/synonymous amino acid change and it is not expected to impact splicing.

Color Diagnostics, LLC DBA Color Health
Classification: Likely benign for Hereditary cancer-predisposing syndrome. Last evaluated: 2021-12-14. Review status: criteria provided, single submitter. Criteria: ACMG Guidelines, 2015. Collection method: clinical testing. Allele origin: germline.

Ambry Genetics
Classification: Likely benign for Hereditary cancer-predisposing syndrome. Last evaluated: 2021-05-26. Review status: criteria provided, single submitter. Criteria: Ambry Variant Classification Scheme 2023. Collection method: clinical testing. Allele origin: germline.